The following is an entry in ClinVar:

ClinVar aggregate classification (germline): Likely pathogenic (1 of 4 stars; one submission).

Conditions:
Autosomal recessive limb-girdle muscular dystrophy type 2J (LGMDR10). Also called: Limb-girdle muscular dystrophy, type 2J; MUSCULAR DYSTROPHY, LIMB-GIRDLE, AUTOSOMAL RECESSIVE 10. Identifiers: Orphanet 140922, MedGen C1837342, MONDO:0012127, OMIM 608807.
Dilated cardiomyopathy 1G (CMD1G). Identifiers: Orphanet 154, MedGen C1858763, MONDO:0011400, OMIM 604145.

Submission:

Labcorp Genetics (formerly Invitae), Labcorp
Classification: Likely pathogenic for Dilated cardiomyopathy 1G; Limb-girdle muscular dystrophy, type 2J. Last evaluated: 2018-09-24. Review status: criteria provided, single submitter. Criteria: Invitae Variant Classification Sherloc (09022015). Collection method: clinical testing. Allele origin: germline.
Comment: This sequence change is an SVA-mediated insertion in exon 326 of the TTN mRNA (c.82684_82685insSVA), creating a premature translational stop signal (p.Tyr27562*) in the TTN gene. The exact size and sequence of the insertion cannot be determined by the current assay.Â¬â€ While the insertion is not anticipated to result in nonsense mediated decay, it is expected to create a truncated TTN protein. This variant is not present in population databases (ExAC no frequency). This variant has not been reported in the literature in individuals with TTN-related disease. Retrotransposon insertions including LINE1 (L1), Alu, and SVA (SINE-VNTR-Alu) have been reported to be disease-causing through disruption of either a coding region or splice site (PMID:Â¬â€ 19763152,Â¬â€ 20307669,Â¬â€ 22406018). This variant is located in the A band of TTN (PMID: 25589632).Â¬â€ Truncating variants in this region are significantly overrepresented in patients affected with dilated cardiomyopathy (PMID: 25589632).Â¬â€ Truncating variants in this region have also been reported in individuals affected with autosomal recessive centronuclear myopathy (PMID: 23975875). Algorithms developed to predict the effect of sequence changes on RNA splicing suggest that this variant may create or strengthen a splice site, but this prediction has not been confirmed by published transcriptional studies. In summary, the currently available evidence indicates that the variant is pathogenic, but additional data are needed to prove that conclusively. Therefore, this variant has been classified as Likely Pathogenic.

Literature cited by the submitters: PubMed 25589632; PubMed 23975875.

NM_001267550.2(TTN):c.82684_82685insSVAelement

Genes: TTN-AS1 (TTN antisense RNA 1; plus strand), TTN (titin; minus strand). Cytogenetic location: 2q31.2.
Variant type: Insertion.
Coding change: c.82684_82685insSVAelement on transcript NM_001267550.2; coding-DNA positions 82684 to 82685, an insertion.
Other names: NM_001267550.2:c.82684_82685insSVA.
Identifiers: ClinVar variation 662494 (VCV000662494.1).